The following is an entry in ClinVar:

ClinVar aggregate classification (germline): Uncertain significance (1 of 4 stars; one submission).

Submission:

Labcorp Genetics (formerly Invitae), Labcorp
Classification: Uncertain significance. Last evaluated: 2024-04-25. Review status: criteria provided, single submitter. Criteria: Invitae Variant Classification Sherloc (09022015). Collection method: clinical testing. Allele origin: germline.
Comment: This sequence change replaces glutamine, which is neutral and polar, with histidine, which is basic and polar, at codon 929 of the CLTC protein (p.Gln929His). This variant is not present in population databases (gnomAD no frequency). This variant has not been reported in the literature in individuals affected with CLTC-related conditions. Advanced modeling of protein sequence and biophysical properties (such as structural, functional, and spatial information, amino acid conservation, physicochemical variation, residue mobility, and thermodynamic stability) performed at Invitae indicates that this missense variant is not expected to disrupt CLTC protein function with a negative predictive value of 80%. In summary, the available evidence is currently insufficient to determine the role of this variant in disease. Therefore, it has been classified as a Variant of Uncertain Significance.

NM_004859.4(CLTC):c.2775A>T (p.Gln925His)

Gene: CLTC (clathrin heavy chain; plus strand). Cytogenetic location: 17q23.1.
Variant type: single nucleotide variant.
Coding change: c.2775A>T on transcript NM_004859.4 (MANE Select); coding-DNA position 2775, A replaced by T.
Protein change: p.Gln925His; replaces glutamine 925 with histidine.
Molecular consequence: missense variant.
Genome position (GRCh38, 1-based): chr17:59,677,167, A>T. VCF-style: chr17-59677167-A-T. GRCh37 (hg19) VCF-style: chr17-57754528-A-T.
Other names: c.2787A>T, p.Gln929His (NM_001288653.2); short protein forms Q925H, Q929H.
Identifiers: ClinVar variation 3651042 (VCV003651042.2).